The following is an entry in ClinVar:

ClinVar aggregate classification (germline): Conflicting classifications of pathogenicity. Review status: criteria provided, conflicting classifications (1 of 4 stars). 2 submissions from 2 submitters: Uncertain significance (1); Likely benign (1). Last evaluated 2024-12-02.

gnomAD v4.1: 22 of 1,523,642 alleles (0.0014%); highest among the groups gnomAD compares: African/African-American, 0.022%; no homozygotes.

Submissions (2):

Labcorp Genetics (formerly Invitae), Labcorp
Classification: Uncertain significance. Last evaluated: 2024-12-02. Review status: criteria provided, single submitter. Criteria: Invitae Variant Classification Sherloc (09022015). Collection method: clinical testing. Allele origin: germline.
Comment: This sequence change replaces glycine, which is neutral and non-polar, with arginine, which is basic and polar, at codon 629 of the MMP9 protein (p.Gly629Arg). This variant is present in population databases (no rsID available, gnomAD 0.02%). This variant has not been reported in the literature in individuals affected with MMP9-related conditions. ClinVar contains an entry for this variant (Variation ID: 1357108). Invitae Evidence Modeling of protein sequence and biophysical properties (such as structural, functional, and spatial information, amino acid conservation, physicochemical variation, residue mobility, and thermodynamic stability) indicates that this missense variant is not expected to disrupt MMP9 protein function with a negative predictive value of 80%. In summary, the available evidence is currently insufficient to determine the role of this variant in disease. Therefore, it has been classified as a Variant of Uncertain Significance.

Ambry Genetics
Classification: Likely benign. Last evaluated: 2024-07-09. Review status: criteria provided, single submitter. Criteria: Ambry Variant Classification Scheme 2023. Collection method: clinical testing. Allele origin: germline.

NM_004994.3(MMP9):c.1885G>C (p.Gly629Arg)

Genes: MMP9 (matrix metallopeptidase 9; plus strand), SLC12A5-AS1 (SLC12A5 and MMP9 antisense RNA 1; minus strand), LOC130065978 (ATAC-STARR-seq lymphoblastoid silent region 12969; plus strand). Cytogenetic location: 20q13.12.
Variant type: single nucleotide variant.
Coding change: c.1885G>C on transcript NM_004994.3 (MANE Select); coding-DNA position 1885, G replaced by C.
Protein change: p.Gly629Arg; replaces glycine 629 with arginine.
Molecular consequence: missense variant. On other transcripts: non-coding transcript variant (1).
Genome position (GRCh38, 1-based): chr20:46,014,258, G>C. VCF-style: chr20-46014258-G-C. GRCh37 (hg19) VCF-style: chr20-44642897-G-C.
Other names: c.1885G>C (NM_004994.2); short protein forms G629R.
Identifiers: ClinVar variation 1357108 (VCV001357108.7), dbSNP rs559776843, ClinGen allele CA315636673.